The following is an entry in ClinVar:

NM_000075.4(CDK4):c.880T>C (p.Tyr294His)

Genes: CDK4 (cyclin dependent kinase 4; minus strand), TSPAN31 (tetraspanin 31; plus strand). Cytogenetic location: 12q14.1.
Variant type: single nucleotide variant.
Coding change: c.880T>C on transcript NM_000075.4 (MANE Select); coding-DNA position 880, T replaced by C.
Protein change: p.Tyr294His; replaces tyrosine 294 with histidine.
Molecular consequence: missense variant. On other transcripts: 3 prime UTR variant (3).
Genome position (GRCh38, 1-based): chr12:57,748,557, A>G on the plus strand (T>C on the coding strand, the complement: CDK4 is on the minus strand). VCF-style: chr12-57748557-A-G. GRCh37 (hg19) VCF-style: chr12-58142340-A-G.
Other names: c.*1267A>G (NM_001330168.2, NM_001330169.2, NM_005981.5); short protein forms Y294H.
Identifiers: ClinVar variation 2067880 (VCV002067880.4), dbSNP rs2140381068, ClinGen allele CA385542316.

ClinVar aggregate classification (germline): Uncertain significance (1 of 4 stars; one submission).

Conditions:
Familial melanoma. Also called: Hereditary melanoma; Hereditary cutaneous melanoma. Identifiers: Orphanet 618, MedGen C1512419, MONDO:0018961.

Allele frequency attached by ClinVar (database versions not stated): gnomAD exomes below 0.00001.
gnomAD v4.1: 2 of 1,613,794 alleles (0.00012%); highest among the groups gnomAD compares: Non-Finnish European, 0.00017%; no homozygotes.

Submission:

Labcorp Genetics (formerly Invitae), Labcorp
Classification: Uncertain significance for Familial melanoma. Last evaluated: 2021-12-31. Review status: criteria provided, single submitter. Criteria: Invitae Variant Classification Sherloc (09022015). Collection method: clinical testing. Allele origin: germline.
Comment: This variant has not been reported in the literature in individuals affected with CDK4-related conditions. In summary, the available evidence is currently insufficient to determine the role of this variant in disease. Therefore, it has been classified as a Variant of Uncertain Significance. Advanced modeling of protein sequence and biophysical properties (such as structural, functional, and spatial information, amino acid conservation, physicochemical variation, residue mobility, and thermodynamic stability) performed at Invitae indicates that this missense variant is expected to disrupt CDK4 protein function. This variant is not present in population databases (gnomAD no frequency). This sequence change replaces tyrosine, which is neutral and polar, with histidine, which is basic and polar, at codon 294 of the CDK4 protein (p.Tyr294His).